The following is an entry in ClinVar:

NC_000018.9:g.(?_47428944)_(47433020_?)dup

Gene: MYO5B (myosin VB; minus strand). Cytogenetic location: 18q21.1.
Variant type: Duplication.
Identifiers: ClinVar variation 1431905 (VCV001431905.4).

ClinVar aggregate classification (germline): Uncertain significance (1 of 4 stars; one submission).

Submission:

Labcorp Genetics (formerly Invitae), Labcorp
Classification: Uncertain significance. Last evaluated: 2021-01-29. Review status: criteria provided, single submitter. Criteria: Invitae Variant Classification Sherloc (09022015). Collection method: clinical testing. Allele origin: germline.
Comment: In summary, the available evidence is currently insufficient to determine the role of this variant in disease. Therefore, it has been classified as a Variant of Uncertain Significance. Experimental studies and prediction algorithms are not available or were not evaluated, and the functional significance of this variant is currently unknown. This variant has not been reported in the literature in individuals with MYO5B-related conditions. This variant results in a copy number gain of the genomic region encompassing exon(s) 19-21 of the MYO5B gene. While the exact position of this variant cannot be determined from the data, sub-genic copy number gains are generally in tandem (PMID: 25640679). This variant is predicted to be in-frame, and likely preserves the integrity of the reading frame.

Literature cited by the submitters: PubMed 25640679.